The following is an entry in ClinVar:

ClinVar aggregate classification (germline): Conflicting classifications of pathogenicity. Review status: criteria provided, conflicting classifications (1 of 4 stars). 4 submissions from 4 submitters: Likely pathogenic (1); Uncertain significance (3). Last evaluated 2026-04-14.

Conditions:
Familial intrahepatic cholestasis. Identifiers: Orphanet 284385, MedGen CN296401, MONDO:0017290.
Progressive familial intrahepatic cholestasis type 2. Identifiers: Orphanet 79304, MedGen C3489789, MONDO:0011156, OMIM 601847.

gnomAD v4.1: 7 of 1,612,916 alleles (0.00043%); highest among the groups gnomAD compares: Non-Finnish European, 0.00051%; no homozygotes.

Submissions (4):

Genomenon, Inc
Classification: Uncertain significance for Familial intrahepatic cholestasis. Last evaluated: 2026-04-14. Review status: criteria provided, single submitter. Criteria: Genomenon Sequence Variant Interpretation Standards - Updated. Collection method: curation. Allele origin: germline. Affected: yes.
Comment: ABCB11 p.Ala570Ser (c.1708G>T) is a missense variant that changes the amino acid at residue 570 from Alanine to Serine. This variant has been observed in at least one proband with an ABCB11-related disorder (PMID:32808743). The presence of pathogenic or likely pathogenic missense variant(s) at the same amino acid position indicates that this residue is likely important for protein function. It is absent or not present at a significant frequency in gnomAD. In silico models predict that this variant is possibly or probably damaging. In conclusion, we classify ABCB11 p.Ala570Ser (c.1708G>T) as a variant of uncertain significance.

Broad Center for Mendelian Genomics, Broad Institute of MIT and Harvard
Classification: Uncertain significance for Progressive familial intrahepatic cholestasis type 2. Last evaluated: 2025-01-27. Review status: criteria provided, single submitter. Criteria: ACMG Guidelines, 2015. Collection method: curation. Allele origin: germline. Inheritance: Autosomal recessive inheritance.
Comment: The p.Ala570Ser variant in ABCB11 has been reported in 1 individual with BSEP deficiency (PMID: 32808743), and has been identified in 0.0005% (6/1179290) of European (non-Finnish) chromosomes by the Genome Aggregation Database (gnomAD; dbSNP rs886043807). Although this variant has been seen in the general population in a heterozygous state, its frequency is low enough to be consistent with a recessive carrier frequency. This variant has also been reported in ClinVar (Variation ID: 1484807) and has been interpreted as likely pathogenic by Invitae and a variant of uncertain significance by Women's Health and Genetics/Laboratory Corporation of America, LabCorp. Computational prediction tools and conservation analyses suggest that this variant may impact the protein, though this information is not predictive enough to determine pathogenicity. Two additional likely pathogenic/pathogenic variants, resulting in a different amino acid change at the same position, p.Ala570Thr and p.Ala570Val, have been reported in association with disease in ClinVar, slightly supporting that a change at this position may not be tolerated (Variation ID: 288100, 2680875). In summary, while there is some suspicion for a pathogenic role, the clinical significance of this variant is uncertain. ACMG/AMP Criteria applied: PP3_moderate, PM2_supporting, PM5 (Richards 2015).

Labcorp Genetics (formerly Invitae), Labcorp
Classification: Likely pathogenic. Last evaluated: 2023-11-22. Review status: criteria provided, single submitter. Criteria: Invitae Variant Classification Sherloc (09022015). Collection method: clinical testing. Allele origin: germline.
Comment: This sequence change replaces alanine, which is neutral and non-polar, with serine, which is neutral and polar, at codon 570 of the ABCB11 protein (p.Ala570Ser). This variant is not present in population databases (gnomAD no frequency). This missense change has been observed in individual(s) with progressive familial intrahepatic cholestasis, type 2 (PMID: 32808743). ClinVar contains an entry for this variant (Variation ID: 1484807). Advanced modeling of protein sequence and biophysical properties (such as structural, functional, and spatial information, amino acid conservation, physicochemical variation, residue mobility, and thermodynamic stability) has been performed at Invitae for this missense variant, however the output from this modeling did not meet the statistical confidence thresholds required to predict the impact of this variant on ABCB11 protein function. This variant disrupts the p.Ala570 amino acid residue in ABCB11. Other variant(s) that disrupt this residue have been determined to be pathogenic (PMID: 15300568, 18395098, 26678486). This suggests that this residue is clinically significant, and that variants that disrupt this residue are likely to be disease-causing. In summary, the currently available evidence indicates that the variant is pathogenic, but additional data are needed to prove that conclusively. Therefore, this variant has been classified as Likely Pathogenic.

Women's Health and Genetics/Laboratory Corporation of America, LabCorp
Classification: Uncertain significance. Last evaluated: 2023-07-20. Review status: criteria provided, single submitter. Criteria: LabCorp Variant Classification Summary - May 2015. Collection method: clinical testing. Allele origin: germline.
Comment: Variant summary: ABCB11 c.1708G>T (p.Ala570Ser) results in a conservative amino acid change located in the ABC transporter-like, ATP-binding domain (IPR003439) of the encoded protein sequence. Four of five in-silico tools predict a damaging effect of the variant on protein function. The variant was absent in 248406 control chromosomes (gnomAD). The available data on variant occurrences in the general population are insufficient to allow any conclusion about variant significance. c.1708G>T has been reported in the literature as a biallelic genotype in at least one individual affected with Familial Intrahepatic Cholestasis (Li_2020). To our knowledge, no experimental evidence demonstrating an impact on protein function has been reported. These data do not allow any conclusion about variant significance. However, a different substitution occuring at Ala570 has been classified as pathogenic within ClinVar (ID: 288100), suggesting this codon may be of clinical significance. The following publication has been ascertained in the context of this evaluation (PMID: 32808743). One ClinVar submitter has assessed this variant since 2014, and classified the variant as likely pathogenic. Based on the evidence outlined above, the variant was classified as VUS-possibly pathogenic.

Literature cited by the submitters: PubMed 32808743 (cited by 3 submitters); PubMed 15300568 (cited by Labcorp Genetics (formerly Invitae), Labcorp); PubMed 18395098 (cited by Labcorp Genetics (formerly Invitae), Labcorp); PubMed 26678486 (cited by Labcorp Genetics (formerly Invitae), Labcorp).

NM_003742.4(ABCB11):c.1708G>T (p.Ala570Ser)

Gene: ABCB11 (ATP binding cassette subfamily B member 11; minus strand). Cytogenetic location: 2q31.1.
Variant type: single nucleotide variant.
Coding change: c.1708G>T on transcript NM_003742.4 (MANE Select); coding-DNA position 1708, G replaced by T.
Protein change: p.Ala570Ser; replaces alanine 570 with serine.
Molecular consequence: missense variant.
Genome position (GRCh38, 1-based): chr2:168,970,146, C>A on the plus strand (G>T on the coding strand, the complement: ABCB11 is on the minus strand). VCF-style: chr2-168970146-C-A. GRCh37 (hg19) VCF-style: chr2-169826656-C-A.
Other names: NM_003742.4(ABCB11):c.1708G>T; p.Ala570Ser; c.1708G>T (NM_003742.2); short protein forms A570S.
Identifiers: ClinVar variation 1484807 (VCV001484807.10), dbSNP rs886043807, ClinGen allele CA349113987.
Genomic context (GRCh38, chr2:168,970,146, plus strand): 5'-CCAGAGCTGAGGTGGCCATGTCCAAAAGCAGAATCTTGGGATTTCGGATGAGGGCTCTGG[C>A]GATAGCTACCCTTTGTTTCTGGCCACCACTCATCTGGCCTCCTCCTTCTCCAACAAGGGT-3'
Protein context (NP_003733.2, residues 560-580): SGGQKQRVAI[Ala570Ser]RALIRNPKIL